The following is an entry in ClinVar:

ClinVar aggregate classification (germline): Likely pathogenic. Review status: criteria provided, multiple submitters, no conflicts (2 of 4 stars). 2 submissions from 2 submitters: Likely pathogenic (2). Last evaluated 2025-11-05.

Conditions:
Early-infantile DEE. Also called: Early infantile epileptic encephalopathy with suppression bursts; Early infantile epileptic encephalopathy; Ohtahara syndrome. Identifiers: Orphanet 1934, MedGen C0393706, MONDO:0800491.

Submissions (2):

GeneDx
Classification: Likely pathogenic. Last evaluated: 2025-11-05. Review status: criteria provided, single submitter. Criteria: GeneDx Variant Classification Process June 2021. Collection method: clinical testing. Allele origin: germline.
Comment: Not observed at significant frequency in large population cohorts (gnomAD); In silico analysis supports that this missense variant has a deleterious effect on protein structure/function; Has not been previously published as pathogenic or benign to our knowledge; This variant is associated with the following publications: (PMID: 27861786)

Labcorp Genetics (formerly Invitae), Labcorp
Classification: Likely pathogenic for Early-infantile DEE. Last evaluated: 2021-08-23. Review status: criteria provided, single submitter. Criteria: Invitae Variant Classification Sherloc (09022015). Collection method: clinical testing. Allele origin: germline.
Comment: This sequence change replaces arginine with tryptophan at codon 198 of the KCNQ2 protein (p.Arg198Trp). The arginine residue is highly conserved and there is a moderate physicochemical difference between arginine and tryptophan. This variant is not present in population databases (ExAC no frequency). This variant has not been reported in the literature in individuals affected with KCNQ2-related conditions. Advanced modeling of protein sequence and biophysical properties (such as structural, functional, and spatial information, amino acid conservation, physicochemical variation, residue mobility, and thermodynamic stability) performed at Invitae indicates that this missense variant is expected to disrupt KCNQ2 protein function. This variant disrupts the p.Arg198 amino acid residue in KCNQ2. Other variant(s) that disrupt this residue have been determined to be pathogenic (PMID: 27861786, 29655203). This suggests that this residue is clinically significant, and that variants that disrupt this residue are likely to be disease-causing. In summary, the currently available evidence indicates that the variant is pathogenic, but additional data are needed to prove that conclusively. Therefore, this variant has been classified as Likely Pathogenic.

Literature cited by the submitters: PubMed 27861786 (cited by Labcorp Genetics (formerly Invitae), Labcorp); PubMed 29655203 (cited by Labcorp Genetics (formerly Invitae), Labcorp).

NM_172107.4(KCNQ2):c.592C>T (p.Arg198Trp)

Gene: KCNQ2 (potassium voltage-gated channel subfamily Q member 2; minus strand). Cytogenetic location: 20q13.33.
Variant type: single nucleotide variant.
Coding change: c.592C>T on transcript NM_172107.4 (MANE Select); coding-DNA position 592, C replaced by T.
Protein change: p.Arg198Trp; replaces arginine 198 with tryptophan.
Molecular consequence: missense variant.
Genome position (GRCh38, 1-based): chr20:63,444,757, G>A on the plus strand (C>T on the coding strand, the complement: KCNQ2 is on the minus strand). VCF-style: chr20-63444757-G-A. GRCh37 (hg19) VCF-style: chr20-62076110-G-A.
Other names: c.592C>T, p.Arg198Trp (NM_001382235.1, NM_004518.6, NM_172106.3 and 2 more transcripts); c.592C>T (NM_172107.2); short protein forms R198W.
Identifiers: ClinVar variation 1479754 (VCV001479754.9), dbSNP rs2145775614, ClinGen allele CA409654819.